The following is an entry in ClinVar:

NM_024426.6(WT1):c.1008G>T (p.Gly336=)

Gene: WT1 (WT1 transcription factor; minus strand). Cytogenetic location: 11p13.
Variant type: single nucleotide variant.
Coding change: c.1008G>T on transcript NM_024426.6 (MANE Select); coding-DNA position 1008, G replaced by T.
Protein change: p.Gly336=; no amino-acid change (glycine 336 retained).
Molecular consequence: synonymous variant. On other transcripts: non-coding transcript variant (1), intron variant (6).
Genome position (GRCh38, 1-based): chr11:32,416,498, C>A on the plus strand (G>T on the coding strand, the complement: WT1 is on the minus strand). VCF-style: chr11-32416498-C-A. GRCh37 (hg19) VCF-style: chr11-32438044-C-A.
Other names: c.357G>T, p.Gly119= (NM_001198551.2); c.1008G>T, p.Gly336= (NM_001407044.1, NM_001407046.1, NM_024424.5); c.885G>T, p.Gly295= (NM_001407047.1); c.246G>T, p.Gly82= (NM_001407051.1); c.842+1079G>T (NM_001407050.1); c.965+1079G>T (NM_001407048.1, NM_001407049.1, NM_000378.6 and 1 more transcripts); c.314+1079G>T (NM_001198552.2).
Identifiers: ClinVar variation 2662441 (VCV002662441.1), dbSNP rs1369099437, ClinGen allele CA473568260.
Genomic context (GRCh38, chr11:32,416,498, plus strand): 5'-AGTCAGCAAGGCCTACGCCATTTGCTTTGCCATCTCCGCATTGTCCACTCACTTGCTCTG[C>A]CCTTCTGTCCATTTCACTGAGCTGGAGCTCCCAGCAGCAACTCTAGAAAAGAAGAAGAGG-3'
Protein context (NP_077744.4, residues 326-346): GSSSSVKWTE[Gly336=]QSNHSTGYES

ClinVar aggregate classification (germline): Uncertain significance (1 of 4 stars; one submission).

Submission:

GeneDx
Classification: Uncertain significance. Last evaluated: 2023-04-05. Review status: criteria provided, single submitter. Criteria: GeneDx Variant Classification Process June 2021. Collection method: clinical testing. Allele origin: germline. Affected: yes.
Comment: Not observed at significant frequency in large population cohorts (gnomAD); In silico analysis supports that this variant does not alter splicing; Has not been previously published as pathogenic or benign to our knowledge